The following is an entry in ClinVar:

ClinVar aggregate classification (germline): Uncertain significance. Review status: criteria provided, multiple submitters, no conflicts (2 of 4 stars). 2 submissions from 2 submitters: Uncertain significance (2). Last evaluated 2026-01-09.

Submissions (2):

Labcorp Genetics (formerly Invitae), Labcorp
Classification: Uncertain significance. Last evaluated: 2026-01-09. Review status: criteria provided, single submitter. Criteria: Invitae Variant Classification Sherloc (09022015). Collection method: clinical testing. Allele origin: germline.
Comment: This sequence change replaces proline, which is neutral and non-polar, with leucine, which is neutral and non-polar, at codon 935 of the COL11A1 protein (p.Pro935Leu). This variant is not present in population databases (gnomAD no frequency). This variant has not been reported in the literature in individuals affected with COL11A1-related conditions. Invitae Evidence Modeling of protein sequence and biophysical properties (such as structural, functional, and spatial information, amino acid conservation, physicochemical variation, residue mobility, and thermodynamic stability) indicates that this missense variant is not expected to disrupt COL11A1 protein function with a negative predictive value of 80%. In summary, the available evidence is currently insufficient to determine the role of this variant in disease. Therefore, it has been classified as a Variant of Uncertain Significance.

Blueprint Genetics
Classification: Uncertain significance. Last evaluated: 2020-01-29. Review status: criteria provided, single submitter. Criteria: ACMG Guidelines, 2015. Collection method: clinical testing. Allele origin: germline.

NM_001854.4(COL11A1):c.2804C>T (p.Pro935Leu)

Gene: COL11A1 (collagen type XI alpha 1 chain; minus strand). Cytogenetic location: 1p21.1.
Variant type: single nucleotide variant.
Coding change: c.2804C>T on transcript NM_001854.4 (MANE Select); coding-DNA position 2804, C replaced by T.
Protein change: p.Pro935Leu; replaces proline 935 with leucine.
Molecular consequence: missense variant. On other transcripts: non-coding transcript variant (1).
Genome position (GRCh38, 1-based): chr1:102,974,834, G>A on the plus strand (C>T on the coding strand, the complement: COL11A1 is on the minus strand). VCF-style: chr1-102974834-G-A. GRCh37 (hg19) VCF-style: chr1-103440390-G-A.
Other names: c.2687C>T, p.Pro896Leu (NM_001190709.2); c.2840C>T, p.Pro947Leu (NM_080629.3); c.2456C>T, p.Pro819Leu (NM_080630.4); short protein forms P819L, P896L, P947L, P935L.
Identifiers: ClinVar variation 4771840 (VCV004771840.2).
Genomic context (GRCh38, chr1:102,974,834, plus strand): 5'-CTCAAAAATGTAAAAATATCAAATGAAGAAAGAGAAAGAGAAGCTCTGACACTTACAGGA[G>A]GGCCTTTTGGTCCAGGGAATCCAACTGGACCCTGAGGTCCTTGAGGACCCTGGAAATAAA-3'
Protein context (NP_001845.3, residues 925-945): GPVGFPGPKG[Pro935Leu]PGPPGKDGLP